The following is an entry in ClinVar:

NM_001458.5(FLNC):c.6499A>G (p.Met2167Val)

Genes: FLNC (filamin C; plus strand), FLNC-AS1 (FLNC antisense RNA 1; minus strand). Cytogenetic location: 7q32.1.
Variant type: single nucleotide variant.
Coding change: c.6499A>G on transcript NM_001458.5 (MANE Select); coding-DNA position 6499, A replaced by G.
Protein change: p.Met2167Val; replaces methionine 2167 with valine.
Molecular consequence: missense variant.
Genome position (GRCh38, 1-based): chr7:128,853,988, A>G. VCF-style: chr7-128853988-A-G. GRCh37 (hg19) VCF-style: chr7-128494042-A-G.
Other names: c.6400A>G, p.Met2134Val (NM_001127487.2); short protein forms M2167V, M2134V.
Identifiers: ClinVar variation 1466392 (VCV001466392.8), dbSNP rs2128939248, ClinGen allele CA369212694.

ClinVar aggregate classification (germline): Uncertain significance (1 of 4 stars; one submission).

Conditions:
Hypertrophic cardiomyopathy 26. Also called: Cardiomyopathy, familial hypertrophic, 26. Identifiers: Orphanet 75249, MedGen C4310749, MONDO:0014883, OMIM 617047.
Myofibrillar myopathy 5. Also called: FILAMINOPATHY, AUTOSOMAL DOMINANT; Filaminopathy (type). Identifiers: Orphanet 171445, MedGen C1836050, MONDO:0012289, OMIM 609524.
Distal myopathy with posterior leg and anterior hand involvement. Also called: WILLIAMS DISTAL MYOPATHY. Identifiers: Orphanet 63273, MedGen C3279722, MONDO:0013550, OMIM 614065.

Submission:

Labcorp Genetics (formerly Invitae), Labcorp
Classification: Uncertain significance for Distal myopathy with posterior leg and anterior hand involvement; Myofibrillar myopathy 5; Hypertrophic cardiomyopathy 26. Last evaluated: 2022-07-25. Review status: criteria provided, single submitter. Criteria: Invitae Variant Classification Sherloc (09022015). Collection method: clinical testing. Allele origin: germline.
Comment: This sequence change replaces methionine, which is neutral and non-polar, with valine, which is neutral and non-polar, at codon 2167 of the FLNC protein (p.Met2167Val). In summary, the available evidence is currently insufficient to determine the role of this variant in disease. Therefore, it has been classified as a Variant of Uncertain Significance. Algorithms developed to predict the effect of sequence changes on RNA splicing suggest that this variant may create or strengthen a splice site. Algorithms developed to predict the effect of missense changes on protein structure and function are either unavailable or do not agree on the potential impact of this missense change (SIFT: "Deleterious"; PolyPhen-2: "Benign"; Align-GVGD: "Class C0"). ClinVar contains an entry for this variant (Variation ID: 1466392). This variant has not been reported in the literature in individuals affected with FLNC-related conditions. This variant is not present in population databases (gnomAD no frequency).